The following is an entry in ClinVar:

ClinVar aggregate classification (germline): Likely pathogenic. Review status: criteria provided, multiple submitters, no conflicts (2 of 4 stars). 2 submissions from 2 submitters: Likely pathogenic (2). Last evaluated 2025-12-15.

Conditions:
Maple syrup urine disease type 1A (MSUD1A). Also called: MSUD type 1A. Identifiers: MedGen C1855369, MONDO:0023691, OMIM 248600.

gnomAD v4.1: 1 of 1,614,054 alleles (0.000062%); highest among the groups gnomAD compares: South Asian, 0.0011%; no homozygotes.

Submissions (2):

Natera, Inc.
Classification: Likely pathogenic for Maple syrup urine disease type 1A. Last evaluated: 2025-12-15. Review status: criteria provided, single submitter. Criteria: Natera Variant Classification Schema (03/2026). Collection method: clinical testing. Allele origin: germline.
Comment: The c.868G>C variant in BCKDHA is a missense variant predicted to cause substitution of glycine to arginine at amino acid 290. This variant is rare in the general population with a frequency below the threshold expected for the associated phenotype(s). Another variant at this same site results in an alteration predicted to cause a similar molecular effect has been observed in individual(s) with the associated phenotype. Computational prediction algorithms indicate this variant is likely to affect gene or protein function. Given the available evidence, this variant is classified as Likely Pathogenic.

Neuberg Centre For Genomic Medicine, NCGM
Classification: Likely pathogenic for Maple syrup urine disease type 1A. Review status: criteria provided, single submitter. Criteria: ACMG Guidelines, 2015. Collection method: clinical testing. Allele origin: germline. Inheritance: Autosomal recessive inheritance. Affected: yes.
Comment: The missense c.868G>C p.Gly290Arg variant in the BCKDHA gene which is located in a mutational hot spot has not been reported previously as a pathogenic variant nor as a benign variant, to our knowledge. Different amino acid change p.Gly290Arg is reported as a known pathogenic variant Zeynalzadeh et al., 2018. This variant is reported with the allele frequency 0.0003% in the gnomAD Exomes. The amino acid Glycine at position 290 is changed to a Arginine changing protein sequence and it might alter its composition and physico-chemical properties. Multiple lines of computational evidence Polyphen - Damaging, SIFT - Damaging and MutationTaster - Disease causing predict a damaging effect on protein structure and function for this variant. The amino acid change p.Gly290Arg in BCKDHA is predicted as conserved by GERP++ and PhyloP across 100 vertebrates. For these reasons, this variant has been classified as Likely Pathogenic.

NM_000709.4(BCKDHA):c.868G>C (p.Gly290Arg)

Gene: BCKDHA (branched chain keto acid dehydrogenase E1 subunit alpha; plus strand). Cytogenetic location: 19q13.2.
Variant type: single nucleotide variant.
Coding change: c.868G>C on transcript NM_000709.4 (MANE Select); coding-DNA position 868, G replaced by C.
Protein change: p.Gly290Arg; replaces glycine 290 with arginine.
Molecular consequence: missense variant.
Genome position (GRCh38, 1-based): chr19:41,422,643, G>C. VCF-style: chr19-41422643-G-C. GRCh37 (hg19) VCF-style: chr19-41928548-G-C.
Other names: c.868G>C (NM_000709.3); c.865G>C, p.Gly289Arg (NM_001164783.2); short protein forms G289R, G290R.
Identifiers: ClinVar variation 3393412 (VCV003393412.2).